The following is an entry in ClinVar:

ClinVar aggregate classification (germline): Uncertain significance (1 of 4 stars; one submission).

Conditions:
Autosomal dominant childhood-onset proximal spinal muscular atrophy with contractures (SMALED2A). Also called: Spinal muscular atrophy, lower extremity-predominant, 2A, autosomal dominant; SPINAL MUSCULAR ATROPHY, LOWER EXTREMITY-PREDOMINANT, 2A, CHILDHOOD ONSET, AUTOSOMAL DOMINANT. Identifiers: Orphanet 363447, Orphanet 363454, MedGen C4747715, MONDO:0014121, OMIM 615290.

Submission:

Labcorp Genetics (formerly Invitae), Labcorp
Classification: Uncertain significance for Autosomal dominant childhood-onset proximal spinal muscular atrophy with contractures. Last evaluated: 2026-01-05. Review status: criteria provided, single submitter. Criteria: Invitae Variant Classification Sherloc (09022015). Collection method: clinical testing. Allele origin: germline.
Comment: This variant, c.1704_1721del, results in the deletion of 6 amino acid(s) of the BICD2 protein (p.Gly570_Pro575del), but otherwise preserves the integrity of the reading frame. This variant is not present in population databases (gnomAD no frequency). This variant has not been reported in the literature in individuals affected with BICD2-related conditions. ClinVar contains an entry for this variant (Variation ID: 2076302). Experimental studies and prediction algorithms are not available or were not evaluated, and the functional significance of this variant is currently unknown. In summary, the available evidence is currently insufficient to determine the role of this variant in disease. Therefore, it has been classified as a Variant of Uncertain Significance.

NM_001003800.2(BICD2):c.1704_1721del (p.Gly570_Pro575del)

Gene: BICD2 (BICD cargo adaptor 2; minus strand). Cytogenetic location: 9q22.31.
Variant type: Deletion.
Coding change: c.1704_1721del on transcript NM_001003800.2 (MANE Select); coding-DNA positions 1704 to 1721, 18 bases deleted (TCCCGGGGGCCGCACCAG).
Protein change: p.Gly570_Pro575del.
Molecular consequence: inframe deletion.
Genome position (GRCh38, 1-based): chr9:92,718,924-92,718,941, CTGGTGCGGCCCCCGGGA deleted on the plus strand (TCCCGGGGGCCGCACCAG on the coding strand, the reverse complement: BICD2 is on the minus strand); deleting any 18 consecutive bases within chr9:92,718,924-92,718,952 gives the same sequence; the c. name uses the placement nearest the transcript's 3' end. VCF-style (leftmost placement, unchanged base first): chr9-92718923-GCTGGTGCGGCCCCCGGGA-G. GRCh37 (hg19) VCF-style: chr9-95481205-GCTGGTGCGGCCCCCGGGA-G.
Other names: c.1704_1721del, p.Gly570_Pro575del (NM_015250.4).
Identifiers: ClinVar variation 2076302 (VCV002076302.4), dbSNP rs998616675, ClinGen allele CA868524750.